The following is an entry in ClinVar:

ClinVar aggregate classification (germline): Uncertain significance (1 of 4 stars; one submission).

Conditions:
Arrhythmogenic right ventricular dysplasia 9 (ARVD9). Also called: Arrhythmogenic Right Ventricular Dysplasia/Cardiomyopathy 9; ARRHYTHMOGENIC RIGHT VENTRICULAR DYSPLASIA, FAMILIAL, 9. Identifiers: MedGen C1836906, MONDO:0012180, OMIM 609040.

gnomAD v4.1: 1 of 1,614,124 alleles (0.000062%); highest among the groups gnomAD compares: East Asian, 0.0022%; no homozygotes.

Submission:

Labcorp Genetics (formerly Invitae), Labcorp
Classification: Uncertain significance for Arrhythmogenic right ventricular dysplasia 9. Last evaluated: 2024-05-01. Review status: criteria provided, single submitter. Criteria: Invitae Variant Classification Sherloc (09022015). Collection method: clinical testing. Allele origin: germline.
Comment: This sequence change replaces asparagine, which is neutral and polar, with lysine, which is basic and polar, at codon 708 of the PKP2 protein (p.Asn708Lys). This variant is present in population databases (no rsID available, gnomAD 0.006%). This variant has not been reported in the literature in individuals affected with PKP2-related conditions. An algorithm developed to predict the effect of missense changes on protein structure and function (PolyPhen-2) suggests that this variant is likely to be disruptive. In summary, the available evidence is currently insufficient to determine the role of this variant in disease. Therefore, it has been classified as a Variant of Uncertain Significance.

NM_001005242.3(PKP2):c.1992C>A (p.Asn664Lys)

Gene: PKP2 (plakophilin 2; minus strand). Cytogenetic location: 12p11.21.
Variant type: single nucleotide variant.
Coding change: c.1992C>A on transcript NM_001005242.3 (MANE Select); coding-DNA position 1992, C replaced by A.
Protein change: p.Asn664Lys; replaces asparagine 664 with lysine.
Molecular consequence: missense variant.
Genome position (GRCh38, 1-based): chr12:32,821,377, G>T on the plus strand (C>A on the coding strand, the complement: PKP2 is on the minus strand). VCF-style: chr12-32821377-G-T. GRCh37 (hg19) VCF-style: chr12-32974311-G-T.
Other names: c.1992C>A, p.Asn664Lys (NM_001407155.1, NM_001407161.1); c.1827C>A, p.Asn609Lys (NM_001407156.1); c.2124C>A, p.Asn708Lys (NM_001407157.1, NM_004572.4); c.1665C>A, p.Asn555Lys (NM_001407158.1, NM_001407159.1, NM_001407160.1 and 1 more transcripts); short protein forms N664K, N609K, N708K, N555K.
Identifiers: ClinVar variation 3693441 (VCV003693441.2).
Genomic context (GRCh38, chr12:32,821,377, plus strand): 5'-CATTATTTTAAAAAGTAGGAAATCAGGCCCAATACTCACTGGTCCACTTCCGGCCGTGAG[G>T]TTCTGCAGAGCTCCTAAGGATGCTTCTTGTGTGTAGTTGCGGACACTTTTGGCGATCAAG-3'
Protein context (NP_001005242.2, residues 654-674): TQEASLGALQ[Asn664Lys]LTAGSGPMPT